The following is an entry in ClinVar:

NM_004431.5(EPHA2):c.987C>T (p.Pro329=)

Gene: EPHA2 (EPH receptor A2; minus strand). Cytogenetic location: 1p36.13.
Variant type: single nucleotide variant.
Coding change: c.987C>T on transcript NM_004431.5 (MANE Select); coding-DNA position 987, C replaced by T.
Protein change: p.Pro329=; no amino-acid change (proline 329 retained).
Molecular consequence: synonymous variant.
Genome position (GRCh38, 1-based): chr1:16,138,178, G>A on the plus strand (C>T on the coding strand, the complement: EPHA2 is on the minus strand). VCF-style: chr1-16138178-G-A. GRCh37 (hg19) VCF-style: chr1-16464673-G-A.
Other names: c.825C>T, p.Pro275= (NM_001329090.2).
Identifiers: ClinVar variation 259398 (VCV000259398.19), dbSNP rs2230597, ClinGen allele CA625352.

ClinVar aggregate classification (germline): Benign. Review status: criteria provided, multiple submitters, no conflicts (2 of 4 stars). 7 submissions from 7 submitters: Benign (7). Last evaluated 2026-01-27.

Conditions:
Cataract 6 multiple types. Also called: CATARACT, AGE-RELATED CORTICAL, 2; CATARACT 6, POSTERIOR POLAR; CATARACT 6, CONGENITAL TOTAL. Identifiers: Orphanet 91492, MedGen C1861825, MONDO:0007288, OMIM 116600.

Allele frequency attached by ClinVar (database versions not stated): 1000 Genomes Project 0.34944; 1000 Genomes Project 30x 0.35181; TOPMed 0.37526; gnomAD exomes 0.37701 and 0.39393; gnomAD 0.37749 and 0.37785; ExAC 0.37871; ESP Exome Variant Server 0.38879.
gnomAD v4.1: 631,326 of 1,608,510 alleles (39%); highest among the groups gnomAD compares: Middle Eastern, 48%; 127,033 homozygotes.

Submissions (7):

Labcorp Genetics (formerly Invitae), Labcorp
Classification: Benign for Cataract 6 multiple types. Last evaluated: 2026-01-27. Review status: criteria provided, single submitter. Criteria: Invitae Variant Classification Sherloc (09022015). Collection method: clinical testing. Allele origin: germline.

Blueprint Genetics
Classification: Benign. Last evaluated: 2024-11-26. Review status: criteria provided, single submitter. Criteria: ACMG Guidelines, 2015. Collection method: clinical testing. Allele origin: germline.

Genome-Nilou Lab
Classification: Benign for Cataract 6 multiple types. Last evaluated: 2021-07-30. Review status: criteria provided, single submitter. Criteria: ACMG Guidelines, 2015. Collection method: clinical testing. Allele origin: germline. Affected: no.

GeneDx
Classification: Benign. Last evaluated: 2018-05-01. Review status: criteria provided, single submitter. Criteria: GeneDx Variant Classification (06012015). Collection method: clinical testing. Allele origin: germline. Affected: yes.
Comment: This variant is considered likely benign or benign based on one or more of the following criteria: it is a conservative change, it occurs at a poorly conserved position in the protein, it is predicted to be benign by multiple in silico algorithms, and/or has population frequency not consistent with disease.

Illumina Laboratory Services, Illumina
Classification: Benign for Cataract 6 multiple types. Last evaluated: 2018-01-13. Review status: criteria provided, single submitter. Criteria: ICSL Variant Classification Criteria 13 December 2019. Collection method: clinical testing. Allele origin: germline.
Comment: This variant was observed in the ICSL laboratory as part of a predisposition screen in an ostensibly healthy population. It had not been previously curated by ICSL or reported in the Human Gene Mutation Database (HGMD: prior to June 1st, 2018), and was therefore a candidate for classification through an automated scoring system. Utilizing variant allele frequency, disease prevalence and penetrance estimates, and inheritance mode, an automated score was calculated to assess if this variant is too frequent to cause the disease. Based on the score and internal cut-off values, a variant classified as benign is not then subjected to further curation. The score for this variant resulted in a classification of benign for this disease.

Breakthrough Genomics
Classification: Benign. Review status: criteria provided, single submitter. Criteria: ACMG Guidelines, 2015. Collection method: not provided. Allele origin: germline. Inheritance: Autosomal dominant inheritance. Affected: yes.

PreventionGenetics, part of Exact Sciences
Classification: Benign. Review status: criteria provided, single submitter. Criteria: ACMG Guidelines, 2015. Collection method: clinical testing. Allele origin: germline.